The following is an entry in ClinVar:

NM_001356.5(DDX3X):c.236G>A (p.Arg79Lys)

Gene: DDX3X (DEAD-box helicase 3 X-linked; plus strand). Cytogenetic location: Xp11.4.
Variant type: single nucleotide variant.
Coding change: c.236G>A on transcript NM_001356.5 (MANE Select); coding-DNA position 236, G replaced by A.
Protein change: p.Arg79Lys; replaces arginine 79 with lysine.
Molecular consequence: missense variant. On other transcripts: 5 prime UTR variant (1), non-coding transcript variant (1).
Genome position (GRCh38, 1-based): chrX:41,341,568, G>A. VCF-style: chrX-41341568-G-A. GRCh37 (hg19) VCF-style: chrX-41200821-G-A.
Other names: c.236G>A, p.Arg79Lys (NM_001193416.3); c.188G>A, p.Arg63Lys (NM_001193417.3); c.-323G>A (NM_001363819.1); c.236G>A (NM_001356.4); short protein forms R79K, R63K.
Identifiers: ClinVar variation 422246 (VCV000422246.13), dbSNP rs1064795656, ClinGen allele CA16621380.

ClinVar aggregate classification (germline): Uncertain significance. Review status: criteria provided, multiple submitters, no conflicts (2 of 4 stars). 4 submissions from 4 submitters: Uncertain significance (2). 2 of the submissions do not count toward it. Last evaluated 2025-10-06.

Conditions:
Intellectual disability, X-linked 102 (MRXSSB). Also called: Intellectual developmental disorder, X-linked syndromic, Snijders Blok type. Identifiers: Orphanet 457260, MedGen C5393299, MONDO:0010497, OMIM 300958.

Allele frequency attached by ClinVar (database versions not stated): gnomAD exomes 0.00001; gnomAD 0.00002; TOPMed 0.00002.
gnomAD v4.1: 10 of 1,208,847 alleles (0.00083%); highest among the groups gnomAD compares: Non-Finnish European, 0.0011%; no homozygotes.

Submissions (4):

GeneDx
Classification: Uncertain significance. Last evaluated: 2025-10-06. Review status: criteria provided, single submitter. Criteria: GeneDx Variant Classification Process June 2021. Collection method: clinical testing. Allele origin: germline. Affected: yes.
Comment: Published functional studies demonstrate a damaging effect in vivo (PMID: 29490693); In silico analysis suggests that this missense variant does not alter protein structure/function; This variant is associated with the following publications: (PMID: 29490693, 40164730, 38058759, 37904618, 40418049)

Labcorp Genetics (formerly Invitae), Labcorp
Classification: Uncertain significance. Last evaluated: 2023-10-09. Review status: criteria provided, single submitter. Criteria: Invitae Variant Classification Sherloc (09022015). Collection method: clinical testing. Allele origin: germline.
Comment: This sequence change replaces arginine, which is basic and polar, with lysine, which is basic and polar, at codon 79 of the DDX3X protein (p.Arg79Lys). This variant is present in population databases (no rsID available, gnomAD 0.001%). This missense change has been observed in individual(s) with X-linked intellectual disability (PMID: 29490693). ClinVar contains an entry for this variant (Variation ID: 422246). Algorithms developed to predict the effect of variants on protein structure and function are not available or were not evaluated for this variant. Experimental studies have shown that this missense change affects DDX3X function (PMID: 29490693). In summary, the available evidence is currently insufficient to determine the role of this variant in disease. Therefore, it has been classified as a Variant of Uncertain Significance.

OMIM
Classification: Pathogenic for INTELLECTUAL DEVELOPMENTAL DISORDER, X-LINKED, SYNDROMIC, SNIJDERS BLOK TYPE. Last evaluated: 2020-05-07. Review status: no assertion criteria provided. Collection method: literature only. Allele origin: germline. Not counted in ClinVar's aggregate classification.

GeneReviews
No classification provided. Condition: Intellectual disability, X-linked 102. Review status: no classification provided. Collection method: literature only. Allele origin: germline. Not counted in ClinVar's aggregate classification.

Literature cited by the submitters: PubMed 29490693 (cited by Labcorp Genetics (formerly Invitae), Labcorp and OMIM); PubMed 32135084 (cited by GeneReviews); NCBI Bookshelf NBK561282 (cited by GeneReviews).